The following is an entry in ClinVar:

ClinVar aggregate classification (germline): Uncertain significance. Review status: criteria provided, multiple submitters, no conflicts (2 of 4 stars). 4 submissions from 4 submitters: Uncertain significance (4). Last evaluated 2025-11-13.

Conditions:
Autosomal dominant nonsyndromic hearing loss 10. Identifiers: Orphanet 90635, MedGen C1832476, MONDO:0011031, OMIM 601316.
Dilated cardiomyopathy 1J (CMD1J). Also called: CARDIOMYOPATHY, DILATED, WITH SENSORINEURAL HEARING LOSS, AUTOSOMAL DOMINANT. Identifiers: Orphanet 217622, MedGen C1854368, MONDO:0011541, OMIM 605362.
Cardiovascular phenotype. Identifiers: MedGen CN230736.

Allele frequency attached by ClinVar (database versions not stated): ExAC 0.00002; gnomAD 0.00003; gnomAD exomes 0.00003; TOPMed 0.00003.
gnomAD v4.1: 46 of 1,613,802 alleles (0.0029%); highest among the groups gnomAD compares: East Asian, 0.0089%; no homozygotes.

Submissions (4):

Labcorp Genetics (formerly Invitae), Labcorp
Classification: Uncertain significance for Dilated cardiomyopathy 1J. Last evaluated: 2025-11-13. Review status: criteria provided, single submitter. Criteria: Invitae Variant Classification Sherloc (09022015). Collection method: clinical testing. Allele origin: germline.
Comment: This sequence change replaces arginine, which is basic and polar, with glutamine, which is neutral and polar, at codon 356 of the EYA4 protein (p.Arg356Gln). This variant is present in population databases (rs762144530, gnomAD 0.01%). This variant has not been reported in the literature in individuals affected with EYA4-related conditions. ClinVar contains an entry for this variant (Variation ID: 1521211). Invitae Evidence Modeling of protein sequence and biophysical properties (such as structural, functional, and spatial information, amino acid conservation, physicochemical variation, residue mobility, and thermodynamic stability) indicates that this missense variant is not expected to disrupt EYA4 protein function with a negative predictive value of 80%. In summary, the available evidence is currently insufficient to determine the role of this variant in disease. Therefore, it has been classified as a Variant of Uncertain Significance.

Ambry Genetics
Classification: Uncertain significance for Cardiovascular phenotype. Last evaluated: 2023-11-22. Review status: criteria provided, single submitter. Criteria: Ambry Variant Classification Scheme 2023. Collection method: clinical testing. Allele origin: germline.
Comment: The p.R356Q variant (also known as c.1067G>A), located in coding exon 11 of the EYA4 gene, results from a G to A substitution at nucleotide position 1067. The arginine at codon 356 is replaced by glutamine, an amino acid with highly similar properties. This amino acid position is highly conserved in available vertebrate species. In addition, the in silico prediction for this alteration is inconclusive. Since supporting evidence is limited at this time, the clinical significance of this alteration remains unclear.

GeneDx
Classification: Uncertain significance. Last evaluated: 2022-04-07. Review status: criteria provided, single submitter. Criteria: GeneDx Variant Classification Process June 2021. Collection method: clinical testing. Allele origin: germline. Affected: yes.
Comment: In silico analysis supports that this missense variant does not alter protein structure/function; Has not been previously published as pathogenic or benign to our knowledge

Fulgent Genetics
Classification: Uncertain significance for Autosomal dominant nonsyndromic hearing loss 10; Dilated cardiomyopathy 1J. Last evaluated: 2021-08-09. Review status: criteria provided, single submitter. Criteria: ACMG Guidelines, 2015. Collection method: clinical testing. Allele origin: unknown.

NM_004100.5(EYA4):c.1067G>A (p.Arg356Gln)

Gene: EYA4 (EYA transcriptional coactivator and phosphatase 4; plus strand). Cytogenetic location: 6q23.2.
Variant type: single nucleotide variant.
Coding change: c.1067G>A on transcript NM_004100.5 (MANE Select); coding-DNA position 1067, G replaced by A.
Protein change: p.Arg356Gln; replaces arginine 356 with glutamine.
Molecular consequence: missense variant.
Genome position (GRCh38, 1-based): chr6:133,481,559, G>A. VCF-style: chr6-133481559-G-A. GRCh37 (hg19) VCF-style: chr6-133802697-G-A.
Other names: c.905G>A, p.Arg302Gln (NM_001301012.2); c.998G>A, p.Arg333Gln (NM_172103.4, NM_001370458.1); c.1067G>A, p.Arg356Gln (NM_172105.4); c.1085G>A, p.Arg362Gln (NM_001301013.2); c.923G>A, p.Arg308Gln (NM_001370459.1); short protein forms R308Q, R356Q, R302Q, R362Q, R333Q.
Identifiers: ClinVar variation 1521211 (VCV001521211.11), dbSNP rs762144530, ClinGen allele CA4008232.